The following is an entry in ClinVar:

NM_022455.5(NSD1):c.1980C>T (p.Asn660=)

Gene: NSD1 (nuclear receptor binding SET domain protein 1; plus strand). Cytogenetic location: 5q35.3.
Variant type: single nucleotide variant.
Coding change: c.1980C>T on transcript NM_022455.5 (MANE Select); coding-DNA position 1980, C replaced by T.
Protein change: p.Asn660=; no amino-acid change (asparagine 660 retained).
Molecular consequence: synonymous variant.
Genome position (GRCh38, 1-based): chr5:177,210,379, C>T. VCF-style: chr5-177210379-C-T. GRCh37 (hg19) VCF-style: chr5-176637380-C-T.
Other names: c.1107C>T, p.Asn369= (NM_001365684.2, NM_001409306.1, NM_001409307.1 and 3 more transcripts); c.1980C>T, p.Asn660= (NM_001409301.1, NM_001409302.1, NM_001409303.1); c.1560C>T, p.Asn520= (NM_001409304.1); c.1227C>T, p.Asn409= (NM_001409305.1).
Identifiers: ClinVar variation 159274 (VCV000159274.49), dbSNP rs140072393, ClinGen allele CA172777.

ClinVar aggregate classification (germline): Benign/Likely benign. Review status: criteria provided, multiple submitters, no conflicts (2 of 4 stars). 9 submissions from 9 submitters: Benign (3); Likely benign (6). Last evaluated 2025-12-01.

Conditions:
Sotos syndrome (SOTOS). Also called: CHROMOSOME 5q35 DELETION SYNDROME; CEREBRAL GIGANTISM; Sotos' syndrome; Distinctive facial appearance, overgrowth in childhood, and learning disabilities or delayed development; SOTOS SYNDROME 1. Identifiers: Orphanet 821, MedGen C0175695, MONDO:0019349, OMIM 117550.
Inborn genetic diseases. Identifiers: MedGen C0950123, MeSH D030342.

Allele frequency attached by ClinVar (database versions not stated): ExAC 0.00041; gnomAD exomes 0.00044 and 0.00017; gnomAD 0.00064 and 0.00069; TOPMed 0.00064; 1000 Genomes Project 0.00080; 1000 Genomes Project 30x 0.00094; ESP Exome Variant Server 0.00115.
gnomAD v4.1: 369 of 1,614,140 alleles (0.023%); highest among the groups gnomAD compares: African/African-American, 0.14%; no homozygotes.

Submissions (9):

CeGaT Center for Human Genetics Tuebingen
Classification: Likely benign. Last evaluated: 2025-12-01. Review status: criteria provided, single submitter. Criteria: CeGaT Center For Human Genetics Tuebingen Variant Classification Criteria Version 2. Collection method: clinical testing. Allele origin: germline. Affected: yes. Observed: 3 variant alleles.
Comment: NSD1: BP4, BP7

Labcorp Genetics (formerly Invitae), Labcorp
Classification: Benign. Last evaluated: 2025-11-13. Review status: criteria provided, single submitter. Criteria: Invitae Variant Classification Sherloc (09022015). Collection method: clinical testing. Allele origin: germline.

Blueprint Genetics
Classification: Likely benign. Last evaluated: 2024-11-22. Review status: criteria provided, single submitter. Criteria: ACMG Guidelines, 2015. Collection method: clinical testing. Allele origin: germline.

Fulgent Genetics
Classification: Likely benign for Sotos syndrome. Last evaluated: 2021-12-27. Review status: criteria provided, single submitter. Criteria: ACMG Guidelines, 2015. Collection method: clinical testing. Allele origin: unknown.

Genome-Nilou Lab
Classification: Benign for Sotos syndrome. Last evaluated: 2021-07-15. Review status: criteria provided, single submitter. Criteria: ACMG Guidelines, 2015. Collection method: clinical testing. Allele origin: germline. Affected: no.

GeneDx
Classification: Benign. Last evaluated: 2021-03-12. Review status: criteria provided, single submitter. Criteria: GeneDx Variant Classification Process June 2021. Collection method: clinical testing. Allele origin: germline. Affected: yes.

Ambry Genetics
Classification: Likely benign for Inborn genetic diseases. Last evaluated: 2017-02-23. Review status: criteria provided, single submitter. Criteria: Ambry Variant Classification Scheme 2023. Collection method: clinical testing. Allele origin: germline.

Genetic Services Laboratory, University of Chicago
Classification: Likely benign. Last evaluated: 2013-02-08. Review status: criteria provided, single submitter. Criteria: ACMG Guidelines, 2007. Collection method: clinical testing. Allele origin: germline. Inheritance: Autosomal dominant inheritance.

Breakthrough Genomics
Classification: Likely benign. Review status: criteria provided, single submitter. Criteria: ACMG Guidelines, 2015. Collection method: not provided. Allele origin: germline. Inheritance: Autosomal dominant inheritance. Affected: yes.